The following is an entry in ClinVar:

NC_000020.10:g.(?_62290756)_(62297442_?)dup

Gene: RTEL1 (regulator of telomere elongation helicase 1; plus strand). Cytogenetic location: 20q13.33.
Variant type: Duplication.
Identifiers: ClinVar variation 3248304 (VCV003248304.1).

ClinVar aggregate classification (germline): Uncertain significance (1 of 4 stars; one submission).

Conditions:
Dyskeratosis congenita, autosomal recessive 5 (DKCB5). Identifiers: MedGen C3554656, MONDO:0014076, OMIM 615190.
Pulmonary fibrosis and/or bone marrow failure, Telomere-related, 3. Also called: PULMONARY FIBROSIS AND/OR BONE MARROW FAILURE SYNDROME, TELOMERE-RELATED, 3. Identifiers: Orphanet 2032, MedGen C4225346, MONDO:0014613, OMIM 616373.

Submission:

Labcorp Genetics (formerly Invitae), Labcorp
Classification: Uncertain significance for Dyskeratosis congenita, autosomal recessive 5; Pulmonary fibrosis and/or bone marrow failure, Telomere-related, 3. Last evaluated: 2023-04-06. Review status: criteria provided, single submitter. Criteria: Invitae Variant Classification Sherloc (09022015). Collection method: clinical testing. Allele origin: unknown.
Comment: In summary, the available evidence is currently insufficient to determine the role of this variant in disease. Therefore, it has been classified as a Variant of Uncertain Significance. Experimental studies and prediction algorithms are not available or were not evaluated, and the functional significance of this variant is currently unknown. This variant has not been reported in the literature in individuals affected with RTEL1-related conditions. This variant results in a copy number gain of the genomic region encompassing exon(s) 2-7 of the RTEL1 gene. This region includes the initiator codon of the gene. This copy number gain extends beyond the assayed region for this gene and therefore may encompass additional genes. As the precise location of this event is unknown, it may be in tandem or it may be located elsewhere in the genome.